The following is an entry in ClinVar:

ClinVar aggregate classification (germline): Uncertain significance (1 of 4 stars; one submission).

Conditions:
Glycogen storage disease, type II (IOPD). Also called: Pompe Disease; CARDIOMEGALIA GLYCOGENICA DIFFUSA; GLYCOGENOSIS, GENERALIZED, CARDIAC FORM; GSD II; POMPE DISEASE, INFANTILE-ONSET; GLYCOGEN STORAGE DISEASE II, INFANTILE-ONSET. Identifiers: Orphanet 365, MedGen C0017921, MONDO:0009290, OMIM 232300.

Submission:

Genomenon, Inc
Classification: Uncertain significance for Glycogen storage disease, type II. Last evaluated: 2026-07-01. Review status: criteria provided, single submitter. Criteria: Genomenon Sequence Variant Interpretation Standards - Updated. Collection method: curation. Allele origin: germline. Affected: no.
Comment: GAA p.Ala317Val (c.950C>T) is a missense variant that changes the amino acid at codon 317 from Alanine to Valine. This variant has been reported in the published literature (PMID:31342611;33560568). It is absent or not present at a significant frequency in gnomAD. In silico models predict that this variant is possibly or probably damaging. In conclusion, we classify GAA p.Ala317Val (c.950C>T) as a variant of uncertain significance.

Literature cited by the submitters: PubMed 31342611; PubMed 33560568.

NM_000152.5(GAA):c.950C>T (p.Ala317Val)

Gene: GAA (alpha glucosidase; plus strand). Cytogenetic location: 17q25.3.
Variant type: single nucleotide variant.
Coding change: c.950C>T on transcript NM_000152.5 (MANE Select); coding-DNA position 950, C replaced by T.
Protein change: p.Ala317Val; replaces alanine 317 with valine.
Molecular consequence: missense variant.
Genome position (GRCh38, 1-based): chr17:80,107,891, C>T. VCF-style: chr17-80107891-C-T. GRCh37 (hg19) VCF-style: chr17-78081690-C-T.
Other names: c.950C>T, p.Ala317Val (NM_001079803.3, NM_001079804.3, NM_001406741.1 and 1 more transcripts); short protein forms A317V.
Identifiers: ClinVar variation 4876431 (VCV004876431.1).